The following is an entry in ClinVar:

NM_001040142.2(SCN2A):c.3811A>G (p.Thr1271Ala)

Gene: SCN2A (sodium voltage-gated channel alpha subunit 2; plus strand). Cytogenetic location: 2q24.3.
Variant type: single nucleotide variant.
Coding change: c.3811A>G on transcript NM_001040142.2 (MANE Select); coding-DNA position 3811, A replaced by G.
Protein change: p.Thr1271Ala; replaces threonine 1271 with alanine.
Molecular consequence: missense variant.
Genome position (GRCh38, 1-based): chr2:165,370,261, A>G. VCF-style: chr2-165370261-A-G. GRCh37 (hg19) VCF-style: chr2-166226771-A-G.
Other names: c.3811A>G, p.Thr1271Ala (NM_001040143.2, NM_001371246.1, NM_001371247.1 and 1 more transcripts); short protein forms T1271A.
Identifiers: ClinVar variation 568943 (VCV000568943.1), dbSNP rs1559395577, ClinGen allele CA349028312.
Genomic context (GRCh38, chr2:165,370,261, plus strand): 5'-TACATATTCATTCTGGAAATGCTGCTAAAGTGGGTTGCATATGGTTTTCAAGTGTATTTT[A>G]CCAATGCCTGGTGCTGGCTAGACTTCCTGATTGTTGATGTGAGTATGCTGCACTTTGCTG-3'
Protein context (NP_001035232.1, residues 1261-1281): WVAYGFQVYF[Thr1271Ala]NAWCWLDFLI

ClinVar aggregate classification (germline): Uncertain significance (1 of 4 stars; one submission).

Conditions:
Seizures, benign familial infantile, 3 (BFIS3). Also called: CONVULSIONS, BENIGN FAMILIAL INFANTILE, 3; Familial neonatal seizures. Identifiers: Orphanet 140927, Orphanet 306, MedGen C1843140, MONDO:0011904, OMIM 607745.
Developmental and epileptic encephalopathy, 11 (DEE11). Also called: Early infantile epileptic encephalopathy 11. Identifiers: Orphanet 1934, MedGen C3150987, MONDO:0013388, OMIM 613721.

Submission:

Labcorp Genetics (formerly Invitae), Labcorp
Classification: Uncertain significance for Benign familial neonatal-infantile seizures; Early infantile epileptic encephalopathy 11. Last evaluated: 2018-06-28. Review status: criteria provided, single submitter. Criteria: Invitae Variant Classification Sherloc (09022015). Collection method: clinical testing. Allele origin: germline.
Comment: This sequence change replaces threonine with alanine at codon 1271 of the SCN2A protein (p.Thr1271Ala). The threonine residue is highly conserved and there is a small physicochemical difference between threonine and alanine. This variant is not present in population databases (ExAC no frequency). This variant has not been reported in the literature in individuals with SCN2A-related disease. Algorithms developed to predict the effect of missense changes on protein structure and function are either unavailable or do not agree on the potential impact of this missense change (SIFT: "Deleterious"; PolyPhen-2: "Probably Damaging"; Align-GVGD: "Class C0"). In summary, the available evidence is currently insufficient to determine the role of this variant in disease. Therefore, it has been classified as a Variant of Uncertain Significance.